The following is an entry in ClinVar:

NM_001367624.2(ZNF469):c.7790C>A (p.Ala2597Asp)

Gene: ZNF469 (zinc finger protein 469; plus strand). Cytogenetic location: 16q24.2.
Variant type: single nucleotide variant.
Coding change: c.7790C>A on transcript NM_001367624.2 (MANE Select); coding-DNA position 7790, C replaced by A.
Protein change: p.Ala2597Asp; replaces alanine 2597 with aspartic acid.
Molecular consequence: missense variant.
Genome position (GRCh38, 1-based): chr16:88,435,260, C>A. VCF-style: chr16-88435260-C-A. GRCh37 (hg19) VCF-style: chr16-88501668-C-A.
Other names: NM_001127464.1:c.7706C>A; short protein forms A2597D.
Identifiers: ClinVar variation 1760234 (VCV001760234.2), dbSNP rs1456770106, ClinGen allele CA397114843.

ClinVar aggregate classification (germline): Uncertain significance (1 of 4 stars; one submission).

Conditions:
Cardiovascular phenotype. Identifiers: MedGen CN230736.

Submission:

Ambry Genetics
Classification: Uncertain significance for Cardiovascular phenotype. Last evaluated: 2022-07-06. Review status: criteria provided, single submitter. Criteria: Ambry Variant Classification Scheme 2023. Collection method: clinical testing. Allele origin: germline.
Comment: The p.A2569D variant (also known as c.7706C>A), located in coding exon 2 of the ZNF469 gene, results from a C to A substitution at nucleotide position 7706. The alanine at codon 2569 is replaced by aspartic acid, an amino acid with dissimilar properties. This amino acid position is conserved. In addition, this alteration is predicted to be tolerated by in silico analysis. Since supporting evidence is limited at this time, the clinical significance of this alteration remains unclear.